The following is an entry in ClinVar:

ClinVar aggregate classification (germline): Uncertain significance (1 of 4 stars; one submission).

Allele frequency attached by ClinVar (database versions not stated): ExAC 0.00009; TOPMed 0.00009; gnomAD 0.00011.
gnomAD v4.1: 226 of 1,550,802 alleles (0.015%); highest among the groups gnomAD compares: Non-Finnish European, 0.017%; 1 homozygote.

Submission:

Ambry Genetics
Classification: Uncertain significance. Last evaluated: 2025-08-25. Review status: criteria provided, single submitter. Criteria: Ambry Variant Classification Scheme 2023. Collection method: clinical testing. Allele origin: germline.
Comment: The c.2398C>T (p.R800C) alteration is located in exon (coding exon ) of the PARG gene. This alteration results from a C to T substitution at nucleotide position 2398, causing the arginine (R) at amino acid position 800 to be replaced by a cysteine (C). Based on insufficient or conflicting evidence, the clinical significance of this alteration remains unclear.

NM_003631.5(PARG):c.2398C>T (p.Arg800Cys)

Gene: PARG (poly(ADP-ribose) glycohydrolase; minus strand). Cytogenetic location: 10q11.23.
Variant type: single nucleotide variant.
Coding change: c.2398C>T on transcript NM_003631.5 (MANE Select); coding-DNA position 2398, C replaced by T.
Protein change: p.Arg800Cys; replaces arginine 800 with cysteine.
Molecular consequence: missense variant. On other transcripts: non-coding transcript variant (7).
Genome position (GRCh38, 1-based): chr10:49,843,588, G>A on the plus strand (C>T on the coding strand, the complement: PARG is on the minus strand). VCF-style: chr10-49843588-G-A. GRCh37 (hg19) VCF-style: chr10-51051634-G-A.
Other names: c.2152C>T, p.Arg718Cys (NM_001303486.3, NM_001324381.3); c.2074C>T, p.Arg692Cys (NM_001303487.3); c.1156C>T, p.Arg386Cys (NM_001303489.3); short protein forms R800C, R386C, R718C, R692C.
Identifiers: ClinVar variation 2349399 (VCV002349399.3), dbSNP rs782727717, ClinGen allele CA5499158.